The following is an entry in ClinVar:

ClinVar aggregate classification (germline): Likely benign (1 of 4 stars; one submission).

Submission:

CeGaT Center for Human Genetics Tuebingen
Classification: Likely benign. Last evaluated: 2022-07-01. Review status: criteria provided, single submitter. Criteria: CeGaT Center For Human Genetics Tuebingen Variant Classification Criteria Version 2. Collection method: clinical testing. Allele origin: germline. Affected: yes. Observed: 1 variant allele.
Comment: B3GNT3: PM2:Supporting, BP4, BP7

NM_014256.4(B3GNT3):c.1086C>T (p.Asn362=)

Gene: B3GNT3 (UDP-GlcNAc:betaGal beta-1,3-N-acetylglucosaminyltransferase 3; plus strand). Cytogenetic location: 19p13.11.
Variant type: single nucleotide variant.
Coding change: c.1086C>T on transcript NM_014256.4 (MANE Select); coding-DNA position 1086, C replaced by T.
Protein change: p.Asn362=; no amino-acid change (asparagine 362 retained).
Molecular consequence: synonymous variant.
Genome position (GRCh38, 1-based): chr19:17,812,089, C>T. VCF-style: chr19-17812089-C-T. GRCh37 (hg19) VCF-style: chr19-17922898-C-T.
Identifiers: ClinVar variation 2649555 (VCV002649555.24), dbSNP rs2514520200, ClinGen allele CA506105500.